The following is an entry in ClinVar:

NM_000245.4(MET):c.2704A>C (p.Lys902Gln)

Gene: MET (MET proto-oncogene, receptor tyrosine kinase; plus strand). Cytogenetic location: 7q31.2.
Variant type: single nucleotide variant.
Coding change: c.2704A>C on transcript NM_000245.4 (MANE Select); coding-DNA position 2704, A replaced by C.
Protein change: p.Lys902Gln; replaces lysine 902 with glutamine.
Molecular consequence: missense variant.
Genome position (GRCh38, 1-based): chr7:116,769,765, A>C. VCF-style: chr7-116769765-A-C. GRCh37 (hg19) VCF-style: chr7-116409819-A-C.
Other names: c.2758A>C, p.Lys920Gln (NM_001127500.3); c.2704A>C, p.Lys902Gln (NM_001324401.3); c.1414A>C, p.Lys472Gln (NM_001324402.2); short protein forms K920Q, K472Q, K902Q.
Identifiers: ClinVar variation 3395090 (VCV003395090.1).

ClinVar aggregate classification (germline): Uncertain significance (1 of 4 stars; one submission).

Conditions:
Hereditary cancer-predisposing syndrome. Also called: Hereditary Cancer Syndrome; Tumor predisposition; Hereditary neoplastic syndrome; Neoplastic Syndromes, Hereditary. Identifiers: Orphanet 140162, MedGen C0027672, MeSH D009386, MONDO:0015356.

Submission:

Ambry Genetics
Classification: Uncertain significance for Hereditary cancer-predisposing syndrome. Last evaluated: 2024-08-12. Review status: criteria provided, single submitter. Criteria: Ambry Variant Classification Scheme 2023. Collection method: clinical testing. Allele origin: germline.
Comment: The p.K920Q variant (also known as c.2758A>C), located in coding exon 11 of the MET gene, results from an A to C substitution at nucleotide position 2758. The lysine at codon 920 is replaced by glutamine, an amino acid with similar properties. This amino acid position is conserved. In addition, this alteration is predicted to be tolerated by in silico analysis. Based on the available evidence, the clinical significance of this variant remains unclear.